The following is an entry in ClinVar:

NM_080425.4(GNAS):c.1463C>A (p.Ala488Asp)

Gene: GNAS (GNAS complex locus; plus strand). Cytogenetic location: 20q13.32.
Variant type: single nucleotide variant.
Coding change: c.1463C>A on transcript NM_080425.4 (MANE Plus Clinical); coding-DNA position 1463, C replaced by A.
Protein change: p.Ala488Asp; replaces alanine 488 with aspartic acid.
Molecular consequence: missense variant. On other transcripts: intron variant (3).
Genome position (GRCh38, 1-based): chr20:58,854,728, C>A. VCF-style: chr20-58854728-C-A. GRCh37 (hg19) VCF-style: chr20-57429783-C-A.
Other names: c.1276C>A, p.Pro426Thr (NM_001077490.3, NM_001309883.1); c.1463C>A, p.Ala488Asp (NM_001410913.1); c.*42+13842C>A (NM_016592.5); c.43+13842C>A (NM_001410912.1); c.-39+12853C>A (NM_001309861.2); short protein forms A488D, P426T.
Identifiers: ClinVar variation 4687010 (VCV004687010.1).

ClinVar aggregate classification (germline): Uncertain significance (1 of 4 stars; one submission).

gnomAD v4.1: 2 of 1,536,080 alleles (0.00013%); highest among the groups gnomAD compares: African/African-American, 0.0027%; no homozygotes.

Submission:

GeneDx
Classification: Uncertain significance. Last evaluated: 2025-07-26. Review status: criteria provided, single submitter. Criteria: GeneDx Variant Classification Process June 2021. Collection method: clinical testing. Allele origin: germline. Affected: yes.
Comment: Not observed at significant frequency in large population cohorts (gnomAD); In silico analysis supports that this missense variant has a deleterious effect on protein structure/function; Has not been previously published as pathogenic or benign to our knowledge; Reported using an alternate transcript of the gene